The following is an entry in ClinVar:

ClinVar aggregate classification (germline): Conflicting classifications of pathogenicity. Review status: criteria provided, conflicting classifications (1 of 4 stars). 2 submissions from 2 submitters: Likely pathogenic (1); Uncertain significance (1). Last evaluated 2026-04-29.

Conditions:
ASXL3-related disorder. Also called: ASXL3-related condition. Identifiers: MedGen CN381524.

gnomAD v4.1: 1 of 1,612,118 alleles (0.000062%); highest among the groups gnomAD compares: Non-Finnish European, 0.000085%; no homozygotes.

Submissions (2):

GeneDx
Classification: Uncertain significance. Last evaluated: 2026-04-29. Review status: criteria provided, single submitter. Criteria: GeneDx Variant Classification Process June 2021. Collection method: clinical testing. Allele origin: germline.
Comment: Nonsense variant predicted to result in protein truncation or nonsense mediated decay in a gene for which loss of function is a known mechanism of disease; Has not been previously published as pathogenic or benign to our knowledge; This variant is associated with the following publications: (PMID: 34436830)

PreventionGenetics, part of Exact Sciences
Classification: Likely pathogenic for ASXL3-related condition. Last evaluated: 2025-08-26. Review status: criteria provided, single submitter. Criteria: ACMG Guidelines, 2015. Collection method: clinical testing. Allele origin: germline.
Comment: The ASXL3 c.964C>T variant is predicted to result in premature protein termination (p.Arg322*). This variant has been reported as a loss of function variant in ASXL3-related syndrome (Table S7, Schirwani et al. 2021. PubMed ID: 34436830). This variant is reported in 0.0065% of alleles in individuals of African descent in gnomAD. Nonsense variants in ASXL3 are expected to be pathogenic. This variant is interpreted as likely pathogenic.

NM_030632.3(ASXL3):c.964C>T (p.Arg322Ter)

Gene: ASXL3 (ASXL transcriptional regulator 3; plus strand). Cytogenetic location: 18q12.1.
Variant type: single nucleotide variant.
Coding change: c.964C>T on transcript NM_030632.3 (MANE Select); coding-DNA position 964, C replaced by T.
Protein change: p.Arg322Ter; replaces arginine 322 with a stop codon.
Molecular consequence: nonsense.
Genome position (GRCh38, 1-based): chr18:33,732,052, C>T. VCF-style: chr18-33732052-C-T. GRCh37 (hg19) VCF-style: chr18-31312016-C-T.
Other names: c.964C>T (NM_030632.2); short protein forms R322*.
Identifiers: ClinVar variation 3342602 (VCV003342602.3).